The following is an entry in ClinVar:

ClinVar aggregate classification (germline): Pathogenic (1 of 4 stars; one submission).

Conditions:
Acute myeloid leukemia (AML). Also called: Leukemia, acute myeloid, somatic; Leukemia, acute myelogenous, somatic; Acute myeloid leukemia, adult; AML adult; Acute non-lymphocytic leukemia; Acute granulocytic leukemia. Identifiers: Orphanet 519, MedGen C0023467, MeSH D015470, MONDO:0018874, OMIM 601626, HP:0004808. Disease mechanism: Constitutively activated FLT3.

Submission:

Labcorp Genetics (formerly Invitae), Labcorp
Classification: Pathogenic for Acute myeloid leukemia. Last evaluated: 2022-01-07. Review status: criteria provided, single submitter. Criteria: Invitae Variant Classification Sherloc (09022015). Collection method: clinical testing. Allele origin: germline.
Comment: For these reasons, this variant has been classified as Pathogenic. This variant disrupts the region of the CEBPA protein between codon 1 and 120. Other variants in this region have been observed in individuals with autosomal dominant CEBPA-related conditions (PMID: 11242107, 31867767, 32430494; Invitae), which suggests that this may be a clinically significant region of the protein. This variant disrupts the production of the full length isoform (p42) of the CEBPA protein, which results in the preferential usage of an alternate downstream in-frame methionine at codon 120. Translation starting from this methionine results in a 30 kDa N-terminal truncated isoform of CEBPA that lacks the TAD1 domain, and has been shown to abrogate CEBPA function by acting as a dominant-negative allele (PMID: 11242107, 19953636, 26162409). While functional studies have not been performed to directly test the effect of this variant on CEBPA protein function, this suggests that disruption of this region of the protein is causative of disease. ClinVar contains an entry for this variant (Variation ID: 1067813). This variant has not been reported in the literature in individuals affected with CEBPA-related conditions. This variant is not present in population databases (gnomAD no frequency). This sequence change creates a premature translational stop signal (p.Ser21Glufs*87) in the CEBPA gene. While this is not anticipated to result in nonsense mediated decay, it is expected to disrupt the last 338 amino acid(s) of the CEBPA protein.

Literature cited by the submitters: PubMed 11242107; PubMed 31867767; PubMed 32430494; PubMed 19953636; PubMed 26162409.

NM_004364.5(CEBPA):c.60dup (p.Ser21fs)

Gene: CEBPA (CCAAT enhancer binding protein alpha; minus strand). Cytogenetic location: 19q13.11.
Variant type: Duplication.
Coding change: c.60dup on transcript NM_004364.5 (MANE Select); coding-DNA position 60, one base duplicated (G; older notation c.60dupG).
Protein change: p.Ser21fs; shifts the reading frame from serine 21.
Molecular consequence: frameshift variant. On other transcripts: 5 prime UTR variant (1).
Genome position (GRCh38, 1-based): chr19:33,302,355, C duplicated on the plus strand (G on the coding strand, the reverse complement: CEBPA is on the minus strand). VCF-style (leftmost placement, unchanged base first): chr19-33302354-T-TC. GRCh37 (hg19) VCF-style: chr19-33793260-T-TC.
Other names: c.-298dup (NM_001285829.2); c.165dup, p.Ser56fs (NM_001287424.2); c.18dup, p.Ser7fs (NM_001287435.2); short protein forms S21fs, S56fs, S7fs.
Identifiers: ClinVar variation 1067813 (VCV001067813.9), dbSNP rs2145264820, ClinGen allele CA2499225435.